The following is an entry in ClinVar:

NM_001458.5(FLNC):c.2360T>A (p.Phe787Tyr)

Gene: FLNC (filamin C; plus strand). Cytogenetic location: 7q32.1.
Variant type: single nucleotide variant.
Coding change: c.2360T>A on transcript NM_001458.5 (MANE Select); coding-DNA position 2360, T replaced by A.
Protein change: p.Phe787Tyr; replaces phenylalanine 787 with tyrosine.
Molecular consequence: missense variant.
Genome position (GRCh38, 1-based): chr7:128,842,669, T>A. VCF-style: chr7-128842669-T-A. GRCh37 (hg19) VCF-style: chr7-128482723-T-A.
Other names: c.2360T>A, p.Phe787Tyr (NM_001127487.2); short protein forms F787Y.
Identifiers: ClinVar variation 3751924 (VCV003751924.1).

ClinVar aggregate classification (germline): Uncertain significance (1 of 4 stars; one submission).

Conditions:
Distal myopathy with posterior leg and anterior hand involvement. Also called: WILLIAMS DISTAL MYOPATHY. Identifiers: Orphanet 63273, MedGen C3279722, MONDO:0013550, OMIM 614065.
Hypertrophic cardiomyopathy 26. Also called: Cardiomyopathy, familial hypertrophic, 26. Identifiers: Orphanet 75249, MedGen C4310749, MONDO:0014883, OMIM 617047.
Dilated Cardiomyopathy, Dominant.
Myofibrillar myopathy 5. Also called: Filaminopathy (type); FILAMINOPATHY, AUTOSOMAL DOMINANT. Identifiers: Orphanet 171445, MedGen C1836050, MONDO:0012289, OMIM 609524.

gnomAD v4.1: 2 of 1,548,736 alleles (0.00013%); highest among the groups gnomAD compares: East Asian, 0.0048%; no homozygotes.

Submission:

Labcorp Genetics (formerly Invitae), Labcorp
Classification: Uncertain significance for Distal myopathy with posterior leg and anterior hand involvement; Myofibrillar myopathy 5; Hypertrophic cardiomyopathy 26. Last evaluated: 2024-10-07. Review status: criteria provided, single submitter. Criteria: Invitae Variant Classification Sherloc (09022015). Collection method: clinical testing. Allele origin: germline.
Comment: This sequence change replaces phenylalanine, which is neutral and non-polar, with tyrosine, which is neutral and polar, at codon 787 of the FLNC protein (p.Phe787Tyr). This variant is not present in population databases (gnomAD no frequency). This variant has not been reported in the literature in individuals affected with FLNC-related conditions. Invitae Evidence Modeling of protein sequence and biophysical properties (such as structural, functional, and spatial information, amino acid conservation, physicochemical variation, residue mobility, and thermodynamic stability) has been performed for this missense variant. However, the output from this modeling did not meet the statistical confidence thresholds required to predict the impact of this variant on FLNC protein function. In summary, the available evidence is currently insufficient to determine the role of this variant in disease. Therefore, it has been classified as a Variant of Uncertain Significance.